The following is an entry in ClinVar:

ClinVar aggregate classification (germline): Pathogenic (1 of 4 stars; one submission).

Conditions:
Hypertrophic cardiomyopathy. Also called: HYPERTROPHIC MYOCARDIOPATHY. Identifiers: Orphanet 217569, MedGen C0007194, MeSH D002312, MONDO:0005045, HP:0001639.

Submission:

Labcorp Genetics (formerly Invitae), Labcorp
Classification: Pathogenic for Hypertrophic cardiomyopathy. Last evaluated: 2020-03-03. Review status: criteria provided, single submitter. Criteria: Invitae Variant Classification Sherloc (09022015). Collection method: clinical testing. Allele origin: germline.
Comment: Loss-of-function variants in MYBPC3 are known to be pathogenic (PMID: 19574547). This variant has not been reported in the literature in individuals with MYBPC3-related conditions. This variant is an out-of-frame deletion of the genomic region encompassing 7-22 of the MYBPC3 gene. This is expected to create a premature translational stop signal and result in an absent or disrupted protein product. For these reasons, this variant has been classified as Pathogenic.

Literature cited by the submitters: PubMed 19574547.

NC_000011.9:g.(?_47360865)_(47369466_?)del

Gene: MYBPC3 (myosin binding protein C3; minus strand). Cytogenetic location: 11p11.2.
Variant type: Deletion.
Identifiers: ClinVar variation 1069833 (VCV001069833.5).